The following is an entry in ClinVar:

NM_005422.4(TECTA):c.323G>A (p.Arg108Gln)

Genes: TBCEL-TECTA (TBCEL-TECTA readthrough; plus strand), TECTA (tectorin alpha; plus strand). Cytogenetic location: 11q23.3.
Variant type: single nucleotide variant.
Coding change: c.323G>A on transcript NM_005422.4 (MANE Select); coding-DNA position 323, G replaced by A.
Protein change: p.Arg108Gln; replaces arginine 108 with glutamine.
Molecular consequence: missense variant.
Genome position (GRCh38, 1-based): chr11:121,109,335, G>A. VCF-style: chr11-121109335-G-A. GRCh37 (hg19) VCF-style: chr11-120980044-G-A.
Other names: c.1280G>A, p.Arg427Gln (NM_001378761.1); short protein forms R108Q, R427Q.
Identifiers: ClinVar variation 1703368 (VCV001703368.2), dbSNP rs754685187, ClinGen allele CA6326473.

ClinVar aggregate classification (germline): Uncertain significance (1 of 4 stars; one submission).

Allele frequency attached by ClinVar (database versions not stated): gnomAD exomes below 0.00001; TOPMed below 0.00001; ExAC 0.00001.
gnomAD v4.1: 4 of 1,614,122 alleles (0.00025%); highest among the groups gnomAD compares: Non-Finnish European, 0.00034%; no homozygotes.

Submission:

GeneDx
Classification: Uncertain significance. Last evaluated: 2022-02-24. Review status: criteria provided, single submitter. Criteria: GeneDx Variant Classification Process June 2021. Collection method: clinical testing. Allele origin: germline. Affected: yes.
Comment: Not observed at significant frequency in large population cohorts (gnomAD); In silico analysis supports that this missense variant does not alter protein structure/function; Has not been previously published as pathogenic or benign to our knowledge; This variant is associated with the following publications: (PMID: 31554319, 21520338, 9590290)